The following is an entry in ClinVar:

NM_001458.5(FLNC):c.4557T>G (p.Tyr1519Ter)

Gene: FLNC (filamin C; plus strand). Cytogenetic location: 7q32.1.
Variant type: single nucleotide variant.
Coding change: c.4557T>G on transcript NM_001458.5 (MANE Select); coding-DNA position 4557, T replaced by G.
Protein change: p.Tyr1519Ter; replaces tyrosine 1519 with a stop codon.
Molecular consequence: nonsense.
Genome position (GRCh38, 1-based): chr7:128,848,045, T>G. VCF-style: chr7-128848045-T-G. GRCh37 (hg19) VCF-style: chr7-128488099-T-G.
Other names: c.4557T>G, p.Tyr1519Ter (NM_001127487.2); short protein forms Y1519*.
Identifiers: ClinVar variation 4812347 (VCV004812347.1).

ClinVar aggregate classification (germline): Pathogenic (1 of 4 stars; one submission).

Conditions:
Myofibrillar myopathy 5. Also called: FILAMINOPATHY, AUTOSOMAL DOMINANT; Filaminopathy (type). Identifiers: Orphanet 171445, MedGen C1836050, MONDO:0012289, OMIM 609524.
Distal myopathy with posterior leg and anterior hand involvement. Also called: WILLIAMS DISTAL MYOPATHY. Identifiers: Orphanet 63273, MedGen C3279722, MONDO:0013550, OMIM 614065.
Hypertrophic cardiomyopathy 26. Also called: Cardiomyopathy, familial hypertrophic, 26. Identifiers: Orphanet 75249, MedGen C4310749, MONDO:0014883, OMIM 617047.

Submission:

Labcorp Genetics (formerly Invitae), Labcorp
Classification: Pathogenic for Distal myopathy with posterior leg and anterior hand involvement; Myofibrillar myopathy 5; Hypertrophic cardiomyopathy 26. Last evaluated: 2025-09-20. Review status: criteria provided, single submitter. Criteria: Invitae Variant Classification Sherloc (09022015). Collection method: clinical testing. Allele origin: germline.
Comment: This sequence change creates a premature translational stop signal (p.Tyr1519*) in the FLNC gene. It is expected to result in an absent or disrupted protein product. Loss-of-function variants in FLNC are known to be pathogenic (PMID: 27908349). This variant is not present in population databases (gnomAD no frequency). This variant has not been reported in the literature in individuals affected with FLNC-related conditions. For these reasons, this variant has been classified as Pathogenic.

Literature cited by the submitters: PubMed 27908349.